The following is an entry in ClinVar:

ClinVar aggregate classification (germline): Uncertain significance. Review status: criteria provided, multiple submitters, no conflicts (2 of 4 stars). 2 submissions from 2 submitters: Uncertain significance (2). Last evaluated 2022-11-30.

Conditions:
Familial sleep-related hypermotor epilepsy. Also called: Autosomal Dominant Sleep-Related Hypermotor (Hyperkinetic) Epilepsy. Identifiers: Orphanet 98784, MedGen C3696898, MONDO:0000030.

Allele frequency attached by ClinVar (database versions not stated): gnomAD 0.00001; gnomAD exomes below 0.00001; TOPMed 0.00002.
gnomAD v4.1: 2 of 1,613,954 alleles (0.00012%); highest among the groups gnomAD compares: African/African-American, 0.0013%; no homozygotes.

Submissions (2):

GeneDx
Classification: Uncertain significance. Last evaluated: 2022-11-30. Review status: criteria provided, single submitter. Criteria: GeneDx Variant Classification Process June 2021. Collection method: clinical testing. Allele origin: germline. Affected: yes.
Comment: Not observed at significant frequency in large population cohorts (gnomAD); In silico analysis supports that this missense variant has a deleterious effect on protein structure/function; Has not been previously published as pathogenic or benign to our knowledge

Labcorp Genetics (formerly Invitae), Labcorp
Classification: Uncertain significance. Last evaluated: 2022-06-15. Review status: criteria provided, single submitter. Criteria: Invitae Variant Classification Sherloc (09022015). Collection method: clinical testing. Allele origin: germline.
Comment: ClinVar contains an entry for this variant (Variation ID: 421596). This variant has not been reported in the literature in individuals affected with CHRNA2-related conditions. This variant is present in population databases (no rsID available, gnomAD 0.007%). This sequence change replaces threonine, which is neutral and polar, with isoleucine, which is neutral and non-polar, at codon 359 of the CHRNA2 protein (p.Thr359Ile). Advanced modeling of protein sequence and biophysical properties (such as structural, functional, and spatial information, amino acid conservation, physicochemical variation, residue mobility, and thermodynamic stability) performed at Invitae indicates that this missense variant is expected to disrupt CHRNA2 protein function. In summary, the available evidence is currently insufficient to determine the role of this variant in disease. Therefore, it has been classified as a Variant of Uncertain Significance.

NM_000742.4(CHRNA2):c.1076C>T (p.Thr359Ile)

Gene: CHRNA2 (cholinergic receptor nicotinic alpha 2 subunit; minus strand). Cytogenetic location: 8p21.2.
Variant type: single nucleotide variant.
Coding change: c.1076C>T on transcript NM_000742.4 (MANE Select); coding-DNA position 1076, C replaced by T.
Protein change: p.Thr359Ile; replaces threonine 359 with isoleucine.
Molecular consequence: missense variant.
Genome position (GRCh38, 1-based): chr8:27,463,367, G>A on the plus strand (C>T on the coding strand, the complement: CHRNA2 is on the minus strand). VCF-style: chr8-27463367-G-A. GRCh37 (hg19) VCF-style: chr8-27320884-G-A.
Other names: c.1031C>T, p.Thr344Ile (NM_001282455.2); c.599C>T, p.Thr200Ile (NM_001347705.2, NM_001347706.2); c.482C>T, p.Thr161Ile (NM_001347707.2, NM_001347708.2); short protein forms T359I, T344I, T161I, T200I.
Identifiers: ClinVar variation 421596 (VCV000421596.8), dbSNP rs888935641, ClinGen allele CA16618621.